The following is an entry in ClinVar:

NM_004006.3(DMD):c.4518+1G>T

Gene: DMD (dystrophin; minus strand). Cytogenetic location: Xp21.1.
Variant type: single nucleotide variant.
Coding change: c.4518+1G>T on transcript NM_004006.3 (MANE Select); the canonical splice donor site of the intron after coding-DNA position 4518, G replaced by T.
Molecular consequence: splice donor variant.
Genome position (GRCh38, 1-based): chrX:32,389,500, C>A on the plus strand (G>T on the coding strand, the complement: DMD is on the minus strand). VCF-style: chrX-32389500-C-A. GRCh37 (hg19) VCF-style: chrX-32407617-C-A.
Other names: c.4494+1G>T (NM_000109.4); c.495+1G>T (NM_004011.4); c.486+1G>T (NM_004012.4); c.4506+1G>T (NM_004009.3); c.4149+1G>T (NM_004010.3).
Identifiers: ClinVar variation 1322392 (VCV001322392.5), dbSNP rs2147610408, ClinGen allele CA412662903.

ClinVar aggregate classification (germline): Pathogenic. Review status: criteria provided, multiple submitters, no conflicts (2 of 4 stars). 2 submissions from 2 submitters: Pathogenic (2). Last evaluated 2025-12-05.

Conditions:
Becker muscular dystrophy, Cardiomyopathy, Duchenne muscular dystrophy, Dystrophin deficiency.

Submissions (2):

Natera, Inc.
Classification: Pathogenic for Becker muscular dystrophy, Cardiomyopathy, Duchenne muscular dystrophy, Dystrophin deficiency. Last evaluated: 2025-12-05. Review status: criteria provided, single submitter. Criteria: Natera Variant Classification Schema (03/2026). Collection method: clinical testing. Allele origin: germline.
Comment: The c.4518+1G>T variant in DMD is a canonical splice donor site variant predicted to affect pre-mRNA splicing, which may result in an abnormal transcript and altered protein product. This variant may result in a truncated or dysfunctional protein product. This variant is rare in the general population with a frequency below the threshold expected for the associated phenotype(s). This variant has been observed in affected individual(s) with monoallelic occurrence (heterozygous/hemizygous) (PMID: 28859693, 30342905, 33644936). Functional studies show that this variant may disrupt protein function (PMID: 28859693). Given the available evidence, this variant is classified as Pathogenic.

Revvity Omics, Revvity
Classification: Pathogenic. Last evaluated: 2023-10-19. Review status: criteria provided, single submitter. Criteria: ACMG Guidelines, 2015. Collection method: clinical testing. Allele origin: germline.

Literature cited by the submitters: PubMed 28859693 (cited by Natera, Inc.); PubMed 30342905 (cited by Natera, Inc.); PubMed 33644936 (cited by Natera, Inc.).